The following is an entry in ClinVar:

ClinVar aggregate classification (germline): Benign/Likely benign. Review status: criteria provided, multiple submitters, no conflicts (2 of 4 stars). 3 submissions from 3 submitters: Benign (1); Likely benign (1). 1 of the submissions does not count toward it. Last evaluated 2026-09-01.

Conditions:
FAT2-related disorder. Also called: FAT2-related condition.

Allele frequency attached by ClinVar (database versions not stated): 1000 Genomes Project 30x 0.00125; 1000 Genomes Project 0.00160; gnomAD 0.00367 and 0.00372; TOPMed 0.00381; gnomAD exomes 0.00408 and 0.00504; ExAC 0.00434; ESP Exome Variant Server 0.00438.
gnomAD v4.1: 7,934 of 1,608,774 alleles (0.49%); highest among the groups gnomAD compares: Middle Eastern, 1.2%; 32 homozygotes.

Submissions (3):

CeGaT Center for Human Genetics Tuebingen
Classification: Likely benign. Last evaluated: 2026-09-01. Review status: criteria provided, single submitter. Criteria: CeGaT Center For Human Genetics Tuebingen Variant Classification Criteria Version 2. Collection method: clinical testing. Allele origin: germline. Affected: yes. Observed: 28 variant alleles.
Comment: FAT2: BP4, BP7, BS2

Labcorp Genetics (formerly Invitae), Labcorp
Classification: Benign. Last evaluated: 2026-01-27. Review status: criteria provided, single submitter. Criteria: Invitae Variant Classification Sherloc (09022015). Collection method: clinical testing. Allele origin: germline.

PreventionGenetics, part of Exact Sciences
Classification: Benign for FAT2-related condition. Last evaluated: 2019-07-10. Review status: no assertion criteria provided. Collection method: clinical testing. Allele origin: germline. Not counted in ClinVar's aggregate classification.
Comment: This variant is classified as benign based on ACMG/AMP sequence variant interpretation guidelines (Richards et al. 2015 PMID: 25741868, with internal and published modifications).

NM_001447.3(FAT2):c.9642C>T (p.Tyr3214=)

Genes: FAT2 (FAT atypical cadherin 2; minus strand), SLC36A1 (solute carrier family 36 member 1; plus strand). Cytogenetic location: 5q33.1.
Variant type: single nucleotide variant.
Coding change: c.9642C>T on transcript NM_001447.3 (MANE Select); coding-DNA position 9642, C replaced by T.
Protein change: p.Tyr3214=; no amino-acid change (tyrosine 3214 retained).
Molecular consequence: synonymous variant.
Genome position (GRCh38, 1-based): chr5:151,531,756, G>A on the plus strand (C>T on the coding strand, the complement: FAT2 is on the minus strand). VCF-style: chr5-151531756-G-A. GRCh37 (hg19) VCF-style: chr5-150911317-G-A.
Identifiers: ClinVar variation 773174 (VCV000773174.37), dbSNP rs143792947, ClinGen allele CA3520496.